The following is an entry in ClinVar:

NM_003482.4(KMT2D):c.209A>T (p.Asn70Ile)

Gene: KMT2D (lysine methyltransferase 2D; minus strand). Cytogenetic location: 12q13.12.
Variant type: single nucleotide variant.
Coding change: c.209A>T on transcript NM_003482.4 (MANE Select); coding-DNA position 209, A replaced by T.
Protein change: p.Asn70Ile; replaces asparagine 70 with isoleucine.
Molecular consequence: missense variant.
Genome position (GRCh38, 1-based): chr12:49,054,719, T>A on the plus strand (A>T on the coding strand, the complement: KMT2D is on the minus strand). VCF-style: chr12-49054719-T-A. GRCh37 (hg19) VCF-style: chr12-49448502-T-A.
Other names: short protein forms N70I.
Identifiers: ClinVar variation 4076945 (VCV004076945.1).

ClinVar aggregate classification (germline): Uncertain significance (1 of 4 stars; one submission).

Submission:

GeneDx
Classification: Uncertain significance. Last evaluated: 2025-02-24. Review status: criteria provided, single submitter. Criteria: GeneDx Variant Classification Process June 2021. Collection method: clinical testing. Allele origin: germline. Affected: yes.
Comment: Not observed at significant frequency in large population cohorts (gnomAD); In silico analysis supports that this missense variant has a deleterious effect on protein structure/function; Has not been previously published as pathogenic or benign to our knowledge